The following is an entry in ClinVar:

ClinVar aggregate classification (germline): Likely pathogenic (1 of 4 stars; one submission).

Conditions:
EPILEPSY, CHILDHOOD ABSENCE, SUSCEPTIBILITY TO, 2 (ECA2). Identifiers: Orphanet 64280, MedGen C1843244, OMIM 607681.
Febrile seizures, familial, 8 (FEB8). Also called: CONVULSIONS, FAMILIAL FEBRILE, 8. Identifiers: Orphanet 36387, MedGen C1969810, MONDO:0011891, OMIM 607681.

Submission:

Labcorp Genetics (formerly Invitae), Labcorp
Classification: Likely pathogenic for Febrile seizures, familial, 8; EPILEPSY, CHILDHOOD ABSENCE, SUSCEPTIBILITY TO, 2. Last evaluated: 2021-02-15. Review status: criteria provided, single submitter. Criteria: Invitae Variant Classification Sherloc (09022015). Collection method: clinical testing. Allele origin: germline.
Comment: In summary, the currently available evidence indicates that the variant is pathogenic, but additional data are needed to prove that conclusively. Therefore, this variant has been classified as Likely Pathogenic. Experimental studies and prediction algorithms are not available or were not evaluated, and the functional significance of this variant is currently unknown. This variant has been observed in individual(s) with clinical features of GABRG2-related conditions (Invitae). In at least one individual the variant was observed to be de novo. This variant is not present in population databases (ExAC no frequency). This variant, c.496_498dup, results in the insertion of 1 amino acid(s) to the GABRG2 protein (p.Pro166dup), but otherwise preserves the integrity of the reading frame.

NM_198904.4(GABRG2):c.496_498dup (p.Pro166dup)

Gene: GABRG2 (gamma-aminobutyric acid type A receptor subunit gamma2; plus strand). Cytogenetic location: 5q34.
Variant type: Duplication.
Coding change: c.496_498dup on transcript NM_198904.4 (MANE Select); coding-DNA positions 496 to 498, 3 bases duplicated (CCC; older notation c.496_498dupCCC).
Protein change: p.Pro166dup; duplicates proline 166.
Molecular consequence: inframe insertion.
Genome position (GRCh38, 1-based): chr5:162,097,806-162,097,808, CCC duplicated; duplicating any 3 consecutive bases within chr5:162,097,804-162,097,808 gives the same sequence; the c. name uses the placement nearest the transcript's 3' end. VCF-style (leftmost placement, unchanged base first): chr5-162097803-A-ACCC. GRCh37 (hg19) VCF-style: chr5-161524809-A-ACCC.
Other names: c.496_498dup, p.Pro166dup (NM_000816.3, NM_001375340.1, NM_001375341.1 and 4 more transcripts); c.487_489dup, p.Pro163dup (NM_001375339.1); c.430_432dup, p.Pro144dup (NM_001375345.1, NM_001375346.1); c.409_411dup, p.Pro137dup (NM_001375347.1); c.76_78dup, p.Pro26dup (NM_001375348.1, NM_001375350.1); c.211_213dup, p.Pro71dup (NM_001375349.1).
Identifiers: ClinVar variation 1498711 (VCV001498711.8), dbSNP rs2113326854, ClinGen allele CA2573139345.